The following is an entry in ClinVar:

ClinVar aggregate classification (germline): Uncertain significance (1 of 4 stars; one submission).

Conditions:
Frontotemporal dementia and/or amyotrophic lateral sclerosis 4. Also called: FTDALS4. Identifiers: Orphanet 275872, MedGen C4225325, MONDO:0014641, OMIM 616439.

Allele frequency attached by ClinVar (database versions not stated): gnomAD 0.00001.
gnomAD v4.1: 1 of 1,600,468 alleles (0.000062%); highest among the groups gnomAD compares: Admixed American, 0.0018%; no homozygotes.

Submission:

Labcorp Genetics (formerly Invitae), Labcorp
Classification: Uncertain significance for Frontotemporal dementia and/or amyotrophic lateral sclerosis 4. Last evaluated: 2023-11-05. Review status: criteria provided, single submitter. Criteria: Invitae Variant Classification Sherloc (09022015). Collection method: clinical testing. Allele origin: germline.
Comment: This sequence change replaces glycine, which is neutral and non-polar, with arginine, which is basic and polar, at codon 699 of the TBK1 protein (p.Gly699Arg). This variant is present in population databases (no rsID available, gnomAD 0.003%). This variant has not been reported in the literature in individuals affected with TBK1-related conditions. Advanced modeling of protein sequence and biophysical properties (such as structural, functional, and spatial information, amino acid conservation, physicochemical variation, residue mobility, and thermodynamic stability) performed at Invitae indicates that this missense variant is not expected to disrupt TBK1 protein function with a negative predictive value of 95%. In summary, the available evidence is currently insufficient to determine the role of this variant in disease. Therefore, it has been classified as a Variant of Uncertain Significance.

NM_013254.4(TBK1):c.2095G>A (p.Gly699Arg)

Gene: TBK1 (TANK binding kinase 1; plus strand). Cytogenetic location: 12q14.2.
Variant type: single nucleotide variant.
Coding change: c.2095G>A on transcript NM_013254.4 (MANE Select); coding-DNA position 2095, G replaced by A.
Protein change: p.Gly699Arg; replaces glycine 699 with arginine.
Molecular consequence: missense variant.
Genome position (GRCh38, 1-based): chr12:64,497,996, G>A. VCF-style: chr12-64497996-G-A. GRCh37 (hg19) VCF-style: chr12-64891776-G-A.
Other names: short protein forms G699R.
Identifiers: ClinVar variation 3000753 (VCV003000753.3), dbSNP rs1400374794, ClinGen allele CA385607623.